The following is an entry in ClinVar:

ClinVar aggregate classification (germline): Likely benign (0 of 4 stars; one submission).

Conditions:
TACSTD2-related disorder. Also called: TACSTD2-related condition.

Allele frequency attached by ClinVar (database versions not stated): gnomAD 0.00007; TOPMed 0.00008; ExAC 0.00018.
gnomAD v4.1: 149 of 1,595,068 alleles (0.0093%); highest among the groups gnomAD compares: Admixed American, 0.015%; no homozygotes.

Submission:

PreventionGenetics, part of Exact Sciences
Classification: Likely benign for TACSTD2-related condition. Last evaluated: 2019-03-06. Review status: no assertion criteria provided. Collection method: clinical testing. Allele origin: germline.
Comment: This variant is classified as likely benign based on ACMG/AMP sequence variant interpretation guidelines (Richards et al. 2015 PMID: 25741868, with internal and published modifications).

NM_002353.3(TACSTD2):c.318C>G (p.Pro106=)

Gene: TACSTD2 (tumor associated calcium signal transducer 2; minus strand). Cytogenetic location: 1p32.1.
Variant type: single nucleotide variant.
Coding change: c.318C>G on transcript NM_002353.3 (MANE Select); coding-DNA position 318, C replaced by G.
Protein change: p.Pro106=; no amino-acid change (proline 106 retained).
Molecular consequence: synonymous variant.
Genome position (GRCh38, 1-based): chr1:58,576,839, G>C on the plus strand (C>G on the coding strand, the complement: TACSTD2 is on the minus strand). VCF-style: chr1-58576839-G-C. GRCh37 (hg19) VCF-style: chr1-59042511-G-C.
Identifiers: ClinVar variation 3057451 (VCV003057451.2), dbSNP rs756761287, ClinGen allele CA877448.